The following is an entry in ClinVar:

ClinVar aggregate classification (germline): Uncertain significance (1 of 4 stars; one submission).

Submission:

Ambry Genetics
Classification: Uncertain significance. Last evaluated: 2021-02-12. Review status: criteria provided, single submitter. Criteria: Ambry Variant Classification Scheme 2023. Collection method: clinical testing. Allele origin: germline.
Comment: The p.F110C variant (also known as c.329T>G), located in coding exon 3 of the RECQL gene, results from a T to G substitution at nucleotide position 329. The phenylalanine at codon 110 is replaced by cysteine, an amino acid with highly dissimilar properties. This amino acid position is highly conserved in available vertebrate species. In addition, the in silico prediction for this alteration is inconclusive. Since supporting evidence is limited at this time, the clinical significance of this alteration remains unclear.

NM_002907.4(RECQL):c.329T>G (p.Phe110Cys)

Gene: RECQL (RecQ like helicase; minus strand). Cytogenetic location: 12p12.1.
Variant type: single nucleotide variant.
Coding change: c.329T>G on transcript NM_002907.4 (MANE Select); coding-DNA position 329, T replaced by G.
Protein change: p.Phe110Cys; replaces phenylalanine 110 with cysteine.
Molecular consequence: missense variant.
Genome position (GRCh38, 1-based): chr12:21,490,264, A>C on the plus strand (T>G on the coding strand, the complement: RECQL is on the minus strand). VCF-style: chr12-21490264-A-C. GRCh37 (hg19) VCF-style: chr12-21643198-A-C.
Other names: c.329T>G, p.Phe110Cys (NM_032941.3); short protein forms F110C.
Identifiers: ClinVar variation 1729941 (VCV001729941.2), dbSNP rs2540399598, ClinGen allele CA384132645.